The following is an entry in ClinVar:

NM_201384.3(PLEC):c.10937G>C (p.Arg3646Pro)

Gene: PLEC (plectin; minus strand). Cytogenetic location: 8q24.3.
Variant type: single nucleotide variant.
Coding change: c.10937G>C on transcript NM_201384.3 (MANE Select); coding-DNA position 10937, G replaced by C.
Protein change: p.Arg3646Pro; replaces arginine 3646 with proline.
Molecular consequence: missense variant.
Genome position (GRCh38, 1-based): chr8:143,918,884, C>G on the plus strand (G>C on the coding strand, the complement: PLEC is on the minus strand). VCF-style: chr8-143918884-C-G. GRCh37 (hg19) VCF-style: chr8-144993052-C-G.
Other names: c.11018G>C, p.Arg3673Pro (NM_000445.5); c.10895G>C, p.Arg3632Pro (NM_201378.4); c.10871G>C, p.Arg3624Pro (NM_201379.3); c.11348G>C, p.Arg3783Pro (NM_201380.4); c.10841G>C, p.Arg3614Pro (NM_201381.3); c.10937G>C, p.Arg3646Pro (NM_201382.4); c.10949G>C, p.Arg3650Pro (NM_201383.3); short protein forms R3646P, R3632P, R3673P, R3614P, R3624P, R3650P, R3783P.
Identifiers: ClinVar variation 1409981 (VCV001409981.6), dbSNP rs562181035, ClinGen allele CA372495535.

ClinVar aggregate classification (germline): Uncertain significance (1 of 4 stars; one submission).

Conditions:
Epidermolysis bullosa simplex 5B, with muscular dystrophy (EBS5B). Also called: EPIDERMOLYSIS BULLOSA SIMPLEX AND LIMB-GIRDLE MUSCULAR DYSTROPHY; Epidermolysis bullosa simplex with muscular dystrophy. Identifiers: Orphanet 257, MedGen C2931072, MONDO:0009181, OMIM 226670.
Epidermolysis bullosa simplex, Ogna type (EBS5A). Also called: EPIDERMOLYSIS BULLOSA SIMPLEX 5A, OGNA TYPE; Pidermolysis bullosa simplex 5A, Ogna type. Identifiers: Orphanet 79401, MedGen C0432317, MONDO:0007555, OMIM 131950.
Epidermolysis bullosa simplex with nail dystrophy (EBS5D). Identifiers: MedGen C4225309, MONDO:0014661, OMIM 616487.
Autosomal recessive limb-girdle muscular dystrophy type 2Q (LGMDR17). Also called: MUSCULAR DYSTROPHY, LIMB-GIRDLE, AUTOSOMAL RECESSIVE 17. Identifiers: Orphanet 254361, MedGen C3150989, MONDO:0013390, OMIM 613723.
Epidermolysis bullosa simplex 5C, with pyloric atresia (EBS5C). Also called: Epidermolysis bullosa simplex with pyloric atresia; PLEC-Related Epidermolysis Bullosa with Pyloric Atresia; PLEC1-Related Epidermolysis Bullosa with Pyloric Atresia. Identifiers: Orphanet 158684, MedGen C2677349, MONDO:0012807, OMIM 612138.

gnomAD v4.1: 2 of 1,612,262 alleles (0.00012%); highest among the groups gnomAD compares: Non-Finnish European, 0.00017%; no homozygotes.

Submission:

Labcorp Genetics (formerly Invitae), Labcorp
Classification: Uncertain significance for Autosomal recessive limb-girdle muscular dystrophy type 2Q; Epidermolysis bullosa simplex, Ogna type; Epidermolysis bullosa simplex with nail dystrophy; Epidermolysis bullosa simplex 5C, with pyloric atresia; Epidermolysis bullosa simplex 5B, with muscular dystrophy. Last evaluated: 2025-01-06. Review status: criteria provided, single submitter. Criteria: Invitae Variant Classification Sherloc (09022015). Collection method: clinical testing. Allele origin: germline.
Comment: This sequence change replaces arginine, which is basic and polar, with proline, which is neutral and non-polar, at codon 3673 of the PLEC protein (p.Arg3673Pro). This variant is not present in population databases (gnomAD no frequency). This variant has not been reported in the literature in individuals affected with PLEC-related conditions. ClinVar contains an entry for this variant (Variation ID: 1409981). An algorithm developed to predict the effect of missense changes on protein structure and function (PolyPhen-2) suggests that this variant is likely to be disruptive. In summary, the available evidence is currently insufficient to determine the role of this variant in disease. Therefore, it has been classified as a Variant of Uncertain Significance.